The following is an entry in ClinVar:

ClinVar aggregate classification (germline): Likely benign. Review status: criteria provided, single submitter (1 of 4 stars). 2 submissions from 2 submitters: Likely benign (1). 1 of the submissions does not count toward it. Last evaluated 2025-06-30.

Conditions:
HEMOGLOBIN MANITOBA.

Allele frequency attached by ClinVar (database versions not stated): gnomAD exomes below 0.00001.

Submissions (2):

ARUP Laboratories, Molecular Genetics and Genomics, ARUP Laboratories
Classification: Likely benign. Last evaluated: 2025-06-30. Review status: criteria provided, single submitter. Criteria: ARUP Molecular Germline Variant Investigation Process 2024. Collection method: clinical testing. Allele origin: germline.
Comment: The Hb Manitoba III variant (HBA2: c.309C>A; p.Ser103Arg, also known as Ser102Arg when numbered from the mature protein, HbVar ID: 1121, rs41344646) is reported in multiple heterozygous individuals with no hematological symptoms (See HbVar and references therein). However, the phenotype of this variant in the presence of other alpha globin variants is unknown. This variant has also been reported as mildly unstable (see HbVar). This variant is reported in ClinVar (Variation ID: 15671). This variant is absent from the Genome Aggregation Database, indicating it is not a common polymorphism. Computational analyses are uncertain whether this variant is neutral or deleterious (REVEL: 0.628). Based on available information, this variant is considered to be likely benign. References: Link to HbVar database

OMIM
Classification: other for HEMOGLOBIN MANITOBA. Last evaluated: 2018-05-21. Review status: no assertion criteria provided. Collection method: literature only. Allele origin: germline. Not counted in ClinVar's aggregate classification.

Literature cited by the submitters: PubMed 5452728 (cited by OMIM); PubMed 6547932 (cited by OMIM); PubMed 11791879 (cited by OMIM).

NM_000517.6(HBA2):c.309C>A (p.Ser103Arg)

Genes: HBA2 (hemoglobin subunit alpha 2; plus strand), LOC106804612 (hemoglobin subunit alpha 2 recombination region; plus strand). Cytogenetic location: 16p13.3.
Variant type: single nucleotide variant.
Coding change: c.309C>A on transcript NM_000517.6 (MANE Select); coding-DNA position 309, C replaced by A.
Protein change: p.Ser103Arg; replaces serine 103 with arginine.
Molecular consequence: missense variant.
Genome position (GRCh38, 1-based): chr16:173,480, C>A. VCF-style: chr16-173480-C-A. GRCh37 (hg19) VCF-style: chr16-223479-C-A.
Other names: S102R; Hb Manitoba III; short protein forms S103R.
Identifiers: ClinVar variation 15671 (VCV000015671.10), dbSNP rs41344646, ClinGen allele CA249735.